The following is an entry in ClinVar:

ClinVar aggregate classification (germline): Uncertain significance (1 of 4 stars; one submission).

Conditions:
Mitochondrial complex II deficiency, nuclear type 1. Also called: SUCCINATE CoQ REDUCTASE DEFICIENCY. Identifiers: Orphanet 3208, MedGen C5700310, MONDO:0100294, OMIM 252011.
Pheochromocytoma/paraganglioma syndrome 5. Also called: Paragangliomas 5; SDHA-Related Hereditary Paraganglioma-Pheochromocytoma Syndrome. Identifiers: Orphanet 29072, MedGen C3279992, MONDO:0013602, OMIM 614165.

Submission:

Labcorp Genetics (formerly Invitae), Labcorp
Classification: Uncertain significance for Pheochromocytoma/paraganglioma syndrome 5; Mitochondrial complex II deficiency, nuclear type 1. Last evaluated: 2021-07-15. Review status: criteria provided, single submitter. Criteria: Invitae Variant Classification Sherloc (09022015). Collection method: clinical testing. Allele origin: germline.
Comment: This variant, c.1244_1246del, results in the deletion of 1 amino acid(s) of the SDHA protein (p.Thr415del), but otherwise preserves the integrity of the reading frame. In summary, the available evidence is currently insufficient to determine the role of this variant in disease. Therefore, it has been classified as a Variant of Uncertain Significance. Experimental studies and prediction algorithms are not available or were not evaluated, and the functional significance of this variant is currently unknown. This variant has not been reported in the literature in individuals affected with SDHA-related conditions. This variant is not present in population databases (ExAC no frequency).

NM_004168.4(SDHA):c.1241CCA[1] (p.Thr415del)

Gene: SDHA (succinate dehydrogenase complex flavoprotein subunit A; plus strand). Cytogenetic location: 5p15.33.
Variant type: Microsatellite.
Coding change: c.1241CCA[1] on transcript NM_004168.4 (MANE Select); one copy of the 3-base unit CCA starting at c.1241; the reference has two copies in a row; one copy, 3 bases deleted.
Protein change: p.Thr415del; deletes threonine 415.
Molecular consequence: inframe deletion.
Genome position (GRCh38, 1-based): chr5:235,323-235,325, CCA deleted; deleting any 3 consecutive bases within chr5:235,320-235,325 gives the same sequence; the position shown is the placement nearest the transcript's 3' end. VCF-style (leftmost placement, unchanged base first): chr5-235319-CCCA-C. GRCh37 (hg19) VCF-style: chr5-235434-CCCA-C.
Other names: c.1097CCA[1], p.Thr367del (NM_001294332.2); c.1241CCA[1], p.Thr415del (NM_001330758.2); short protein forms T415del, T367del.
Identifiers: ClinVar variation 1475490 (VCV001475490.8), dbSNP rs2126585682, ClinGen allele CA2580613503.